The following is an entry in ClinVar:

NM_001145358.2(SIN3A):c.1435G>T (p.Ala479Ser)

Gene: SIN3A (SIN3 transcription regulator family member A; minus strand). Cytogenetic location: 15q24.2.
Variant type: single nucleotide variant.
Coding change: c.1435G>T on transcript NM_001145358.2 (MANE Select); coding-DNA position 1435, G replaced by T.
Protein change: p.Ala479Ser; replaces alanine 479 with serine.
Molecular consequence: missense variant.
Genome position (GRCh38, 1-based): chr15:75,401,943, C>A on the plus strand (G>T on the coding strand, the complement: SIN3A is on the minus strand). VCF-style: chr15-75401943-C-A. GRCh37 (hg19) VCF-style: chr15-75694284-C-A.
Other names: c.1435G>T, p.Ala479Ser (NM_001145357.2, NM_015477.3); short protein forms A479S.
Identifiers: ClinVar variation 3600540 (VCV003600540.2).

ClinVar aggregate classification (germline): Uncertain significance (1 of 4 stars; one submission).

Submission:

GeneDx
Classification: Uncertain significance. Last evaluated: 2025-05-23. Review status: criteria provided, single submitter. Criteria: GeneDx Variant Classification Process June 2021. Collection method: clinical testing. Allele origin: germline. Affected: yes.
Comment: Not observed at significant frequency in large population cohorts (gnomAD); In silico analysis indicates that this missense variant does not alter protein structure/function; Has not been previously published as pathogenic or benign to our knowledge